The following is an entry in ClinVar:

ClinVar aggregate classification (germline): Uncertain significance (1 of 4 stars; one submission).

Conditions:
Familial hypercholesterolemia. Also called: Familial hypercholesterolaemia. Identifiers: MedGen C0020445, MONDO:0005439.

Submission:

Color Diagnostics, LLC DBA Color Health
Classification: Uncertain significance for Familial hypercholesterolemia. Last evaluated: 2024-03-06. Review status: criteria provided, single submitter. Criteria: ACMG Guidelines, 2015. Collection method: clinical testing. Allele origin: germline.
Comment: This missense variant replaces threonine with isoleucine at codon 63 of the PCSK9 protein. Computational prediction tool suggests that this variant may not impact protein structure and function (internally defined REVEL score threshold <=0.5, PMID: 27666373). Splice site prediction tools suggest that this variant may not impact RNA splicing. To our knowledge, functional studies have not been performed for this variant. This variant has not been reported in individuals affected with familial hypercholesterolemia in the literature. This variant has not been identified in the general population by the Genome Aggregation Database (gnomAD). The available evidence is insufficient to determine the role of this variant in disease conclusively. Therefore, this variant is classified as a Variant of Uncertain Significance.

NM_174936.4(PCSK9):c.188C>T (p.Thr63Ile)

Gene: PCSK9 (proprotein convertase subtilisin/kexin type 9; plus strand). Cytogenetic location: 1p32.3.
Variant type: single nucleotide variant.
Coding change: c.188C>T on transcript NM_174936.4 (MANE Select); coding-DNA position 188, C replaced by T.
Protein change: p.Thr63Ile; replaces threonine 63 with isoleucine.
Molecular consequence: missense variant.
Genome position (GRCh38, 1-based): chr1:55,040,025, C>T. VCF-style: chr1-55040025-C-T. GRCh37 (hg19) VCF-style: chr1-55505698-C-T.
Other names: short protein forms T63I.
Identifiers: ClinVar variation 922888 (VCV000922888.4), dbSNP rs867904088, ClinGen allele CA340483200.